The following is an entry in ClinVar:

ClinVar aggregate classification (germline): Uncertain significance. Review status: criteria provided, multiple submitters, no conflicts (2 of 4 stars). 2 submissions from 2 submitters: Uncertain significance (2). Last evaluated 2025-12-15.

Conditions:
Hypertrophic cardiomyopathy. Also called: HYPERTROPHIC MYOCARDIOPATHY. Identifiers: Orphanet 217569, MedGen C0007194, MeSH D002312, MONDO:0005045, HP:0001639.

Allele frequency attached by ClinVar (database versions not stated): gnomAD 0.00025; TOPMed 0.00014.
gnomAD v4.1: 254 of 1,597,210 alleles (0.016%); highest among the groups gnomAD compares: Non-Finnish European, 0.02%; no homozygotes.

Submissions (2):

Labcorp Genetics (formerly Invitae), Labcorp
Classification: Uncertain significance for Hypertrophic cardiomyopathy. Last evaluated: 2025-12-15. Review status: criteria provided, single submitter. Criteria: Invitae Variant Classification Sherloc (09022015). Collection method: clinical testing. Allele origin: germline.
Comment: This sequence change replaces serine, which is neutral and polar, with cysteine, which is neutral and slightly polar, at codon 94 of the MYOM1 protein (p.Ser94Cys). This variant is present in population databases (rs761148558, gnomAD 0.02%). This variant has not been reported in the literature in individuals affected with MYOM1-related conditions. ClinVar contains an entry for this variant (Variation ID: 524956). An algorithm developed to predict the effect of missense changes on protein structure and function (PolyPhen-2) suggests that this variant is likely to be tolerated. In summary, the available evidence is currently insufficient to determine the role of this variant in disease. Therefore, it has been classified as a Variant of Uncertain Significance.

Ambry Genetics
Classification: Uncertain significance. Last evaluated: 2025-03-30. Review status: criteria provided, single submitter. Criteria: Ambry Variant Classification Scheme 2023. Collection method: clinical testing. Allele origin: germline.

NM_003803.4(MYOM1):c.281C>G (p.Ser94Cys)

Gene: MYOM1 (myomesin 1; minus strand). Cytogenetic location: 18p11.31.
Variant type: single nucleotide variant.
Coding change: c.281C>G on transcript NM_003803.4 (MANE Select); coding-DNA position 281, C replaced by G.
Protein change: p.Ser94Cys; replaces serine 94 with cysteine.
Molecular consequence: missense variant.
Genome position (GRCh38, 1-based): chr18:3,214,943, G>C on the plus strand (C>G on the coding strand, the complement: MYOM1 is on the minus strand). VCF-style: chr18-3214943-G-C. GRCh37 (hg19) VCF-style: chr18-3214941-G-C.
Other names: c.281C>G, p.Ser94Cys (NM_019856.2); short protein forms S94C.
Identifiers: ClinVar variation 524956 (VCV000524956.11), dbSNP rs761148558, ClinGen allele CA8875308.